The following is an entry in ClinVar:

ClinVar aggregate classification (germline): Likely benign (0 of 4 stars; one submission).

Conditions:
FLT4-related disorder. Also called: FLT4-related condition.

Allele frequency attached by ClinVar (database versions not stated): gnomAD exomes below 0.00001.
gnomAD v4.1: 2 of 1,614,002 alleles (0.00012%); highest among the groups gnomAD compares: Middle Eastern, 0.033%; no homozygotes.

Submission:

PreventionGenetics, part of Exact Sciences
Classification: Likely benign for FLT4-related condition. Last evaluated: 2021-06-25. Review status: no assertion criteria provided. Collection method: clinical testing. Allele origin: germline.
Comment: This variant is classified as likely benign based on ACMG/AMP sequence variant interpretation guidelines (Richards et al. 2015 PMID: 25741868, with internal and published modifications).

NM_182925.5(FLT4):c.3588G>A (p.Glu1196=)

Gene: FLT4 (fms related receptor tyrosine kinase 4; minus strand). Cytogenetic location: 5q35.3.
Variant type: single nucleotide variant.
Coding change: c.3588G>A on transcript NM_182925.5 (MANE Select); coding-DNA position 3588, G replaced by A.
Protein change: p.Glu1196=; no amino-acid change (glutamic acid 1196 retained).
Molecular consequence: synonymous variant.
Genome position (GRCh38, 1-based): chr5:180,611,429, C>T on the plus strand (G>A on the coding strand, the complement: FLT4 is on the minus strand). VCF-style: chr5-180611429-C-T. GRCh37 (hg19) VCF-style: chr5-180038429-C-T.
Other names: c.3588G>A, p.Glu1196= (NM_001354989.2, NM_002020.5).
Identifiers: ClinVar variation 3029080 (VCV003029080.2), dbSNP rs2127791606, ClinGen allele CA448101481.